The following is an entry in ClinVar:

ClinVar aggregate classification (germline): Likely benign (1 of 4 stars; one submission).

gnomAD v4.1: 24 of 1,614,142 alleles (0.0015%); highest among the groups gnomAD compares: Admixed American, 0.0067%; no homozygotes.

Submission:

CeGaT Center for Human Genetics Tuebingen
Classification: Likely benign. Last evaluated: 2025-02-01. Review status: criteria provided, single submitter. Criteria: CeGaT Center For Human Genetics Tuebingen Variant Classification Criteria Version 2. Collection method: clinical testing. Allele origin: germline. Affected: yes. Observed: 1 variant allele.
Comment: LILRB2: BP4, BP7

NM_001080978.4(LILRB2):c.309C>T (p.Arg103=)

Genes: LILRB2 (leukocyte immunoglobulin like receptor B2; minus strand), LOC126862931 (CDK7 strongly-dependent group 2 enhancer GRCh37_chr19:54782879-54784078; plus strand). Cytogenetic location: 19q13.42.
Variant type: single nucleotide variant.
Coding change: c.309C>T on transcript NM_001080978.4 (MANE Select); coding-DNA position 309, C replaced by T.
Protein change: p.Arg103=; no amino-acid change (arginine 103 retained).
Molecular consequence: synonymous variant. On other transcripts: 5 prime UTR variant (1), non-coding transcript variant (1).
Genome position (GRCh38, 1-based): chr19:54,279,837, G>A on the plus strand (C>T on the coding strand, the complement: LILRB2 is on the minus strand). VCF-style: chr19-54279837-G-A. GRCh37 (hg19) VCF-style: chr19-54783692-G-A.
Other names: c.309C>T, p.Arg103= (NM_001278403.3, NM_001278405.2, NM_001278406.2 and 1 more transcripts); c.-40C>T (NM_001278404.3).
Identifiers: ClinVar variation 3771380 (VCV003771380.13).